The following is an entry in ClinVar:

ClinVar aggregate classification (germline): Uncertain significance (1 of 4 stars; one submission).

Conditions:
Pitt-Hopkins-like syndrome 2 (PTHSL2). Identifiers: Orphanet 221150, Orphanet 600663, MedGen C3280479, MONDO:0013690, OMIM 614325.

Submission:

Labcorp Genetics (formerly Invitae), Labcorp
Classification: Uncertain significance for Pitt-Hopkins-like syndrome 2. Last evaluated: 2023-12-12. Review status: criteria provided, single submitter. Criteria: Invitae Variant Classification Sherloc (09022015). Collection method: clinical testing. Allele origin: germline.
Comment: This sequence change replaces serine, which is neutral and polar, with tyrosine, which is neutral and polar, at codon 330 of the NRXN1 protein (p.Ser330Tyr). This variant is not present in population databases (gnomAD no frequency). This variant has not been reported in the literature in individuals affected with NRXN1-related conditions. An algorithm developed to predict the effect of missense changes on protein structure and function (PolyPhen-2) suggests that this variant is likely to be disruptive. In summary, the available evidence is currently insufficient to determine the role of this variant in disease. Therefore, it has been classified as a Variant of Uncertain Significance.

NM_001330078.2(NRXN1):c.890C>A (p.Ser297Tyr)

Gene: NRXN1 (neurexin 1; minus strand). Cytogenetic location: 2p16.3.
Variant type: single nucleotide variant.
Coding change: c.890C>A on transcript NM_001330078.2 (MANE Select); coding-DNA position 890, C replaced by A.
Protein change: p.Ser297Tyr; replaces serine 297 with tyrosine.
Molecular consequence: missense variant.
Genome position (GRCh38, 1-based): chr2:50,623,558, G>T on the plus strand (C>A on the coding strand, the complement: NRXN1 is on the minus strand). VCF-style: chr2-50623558-G-T. GRCh37 (hg19) VCF-style: chr2-50850696-G-T.
Other names: c.989C>A, p.Ser330Tyr (NM_001135659.3); c.890C>A, p.Ser297Tyr (NM_001330077.2, NM_001330082.2, NM_001330085.2 and 3 more transcripts); c.830C>A, p.Ser277Tyr (NM_001330083.2, NM_001330084.2, NM_001330087.2 and 1 more transcripts); c.860C>A, p.Ser287Tyr (NM_001330088.2); c.887C>A, p.Ser296Tyr (NM_001330093.2); c.878C>A, p.Ser293Tyr (NM_001330094.2); short protein forms S287Y, S330Y, S277Y, S293Y, S296Y, S297Y.
Identifiers: ClinVar variation 2702310 (VCV002702310.3), dbSNP rs1412740682, ClinGen allele CA346822605.
Genomic context (GRCh38, chr2:50,623,558, plus strand): 5'-CTCTGAAGGGTTTTAAATGACAGAGTTATTTCATCACTGCTGCTTTGAATGGGGTTTTGA[G>T]ACAAGTCGTAGCAGAAGTATTCAGATCCTTTGAACGTGGCAATATATTCTTCTTTTCCTA-3'
Protein context (NP_001317007.1, residues 287-307): KGSEYFCYDL[Ser297Tyr]QNPIQSSSDE